The following is an entry in ClinVar:

NM_001267550.2(TTN):c.61403_61404del (p.Lys20468fs)

Genes: TTN-AS1 (TTN antisense RNA 1; plus strand), TTN (titin; minus strand). Cytogenetic location: 2q31.2.
Variant type: Deletion.
Coding change: c.61403_61404del on transcript NM_001267550.2 (MANE Select); coding-DNA positions 61403 to 61404, 2 bases deleted (AA; older notation c.61403_61404delAA).
Protein change: p.Lys20468fs; shifts the reading frame from lysine 20468.
Molecular consequence: frameshift variant.
Genome position (GRCh38, 1-based): chr2:178,590,321-178,590,322, TT deleted on the plus strand (AA on the coding strand, the reverse complement: TTN is on the minus strand); deleting any 2 consecutive bases within chr2:178,590,321-178,590,324 gives the same sequence; the c. name uses the placement nearest the transcript's 3' end. VCF-style (leftmost placement, unchanged base first): chr2-178590320-CTT-C. GRCh37 (hg19) VCF-style: chr2-179455047-CTT-C.
Other names: c.56480_56481del, p.Lys18827fs (NM_001256850.1); c.34208_34209del, p.Lys11403fs (NM_003319.4); c.53699_53700del, p.Lys17900fs (NM_133378.4); c.34583_34584del, p.Lys11528fs (NM_133432.3); c.34784_34785del, p.Lys11595fs (NM_133437.4); short protein forms K11403fs, K11595fs, K17900fs, K18827fs, K20468fs, K11528fs.
Identifiers: ClinVar variation 4785888 (VCV004785888.1).

ClinVar aggregate classification (germline): Likely pathogenic (1 of 4 stars; one submission).

Conditions:
Autosomal recessive limb-girdle muscular dystrophy type 2J (LGMDR10). Also called: Limb-girdle muscular dystrophy, type 2J; MUSCULAR DYSTROPHY, LIMB-GIRDLE, AUTOSOMAL RECESSIVE 10. Identifiers: Orphanet 140922, MedGen C1837342, MONDO:0012127, OMIM 608807.
Dilated cardiomyopathy 1G (CMD1G). Identifiers: Orphanet 154, MedGen C1858763, MONDO:0011400, OMIM 604145.

Submission:

Labcorp Genetics (formerly Invitae), Labcorp
Classification: Likely pathogenic for Dilated cardiomyopathy 1G; Autosomal recessive limb-girdle muscular dystrophy type 2J. Last evaluated: 2025-08-17. Review status: criteria provided, single submitter. Criteria: Invitae Variant Classification Sherloc (09022015). Collection method: clinical testing. Allele origin: germline.
Comment: This sequence change creates a premature translational stop signal (p.Lys20468Argfs*11) in the TTN gene. While this is not anticipated to result in nonsense mediated decay, it is expected to create a truncated TTN protein. This variant is not present in population databases (gnomAD no frequency). This variant has not been reported in the literature in individuals affected with TTN-related conditions. This variant is located in the A band of TTN (PMID: 25589632). Truncating variants in this region are significantly overrepresented in patients affected with dilated cardiomyopathy (PMID: 25589632). Truncating variants in this region have also been reported in individuals affected with autosomal recessive centronuclear myopathy (PMID: 23975875). In summary, the currently available evidence indicates that the variant is pathogenic, but additional data are needed to prove that conclusively. Therefore, this variant has been classified as Likely Pathogenic.

Literature cited by the submitters: PubMed 25589632; PubMed 23975875.